The following is an entry in ClinVar:

ClinVar aggregate classification (germline): Uncertain significance (1 of 4 stars; one submission).

Submission:

Labcorp Genetics (formerly Invitae), Labcorp
Classification: Uncertain significance. Last evaluated: 2025-10-05. Review status: criteria provided, single submitter. Criteria: Invitae Variant Classification Sherloc (09022015). Collection method: clinical testing. Allele origin: germline.
Comment: This sequence change replaces glutamic acid, which is acidic and polar, with lysine, which is basic and polar, at codon 155 of the GUCA1A protein (p.Glu155Lys). This variant is not present in population databases (gnomAD no frequency). This missense change has been observed in individuals with GUCA1A-related conditions (PMID: 28002560; internal data). ClinVar contains an entry for this variant (Variation ID: 950228). An algorithm developed to predict the effect of missense changes on protein structure and function (PolyPhen-2) suggests that this variant is likely to be disruptive. This variant disrupts the p.Glu155 amino acid residue in GUCA1A. Other variant(s) that disrupt this residue have been determined to be pathogenic (PMID: 11484154, 23428504, 28559085). This suggests that this residue is clinically significant, and that variants that disrupt this residue are likely to be disease-causing. In summary, the available evidence is currently insufficient to determine the role of this variant in disease. Therefore, it has been classified as a Variant of Uncertain Significance.

Literature cited by the submitters: PubMed 28002560; PubMed 11484154; PubMed 23428504; PubMed 28559085.

NM_001384910.1(GUCA1A):c.463G>A (p.Glu155Lys)

Genes: GUCA1ANB-GUCA1A (GUCA1ANB-GUCA1A readthrough; plus strand), GUCA1A (guanylate cyclase activator 1A; plus strand). Cytogenetic location: 6p21.1.
Variant type: single nucleotide variant.
Coding change: c.463G>A on transcript NM_001384910.1 (MANE Select); coding-DNA position 463, G replaced by A.
Protein change: p.Glu155Lys; replaces glutamic acid 155 with lysine.
Molecular consequence: missense variant.
Genome position (GRCh38, 1-based): chr6:42,179,260, G>A. VCF-style: chr6-42179260-G-A. GRCh37 (hg19) VCF-style: chr6-42146998-G-A.
Other names: c.463G>A, p.Glu155Lys (NM_000409.5, NM_001319061.2, NM_001319062.2); short protein forms E155K.
Identifiers: ClinVar variation 950228 (VCV000950228.9), dbSNP rs1768050197, ClinGen allele CA364110165.